The following is an entry in ClinVar:

NM_001382567.1(STIM1):c.199G>A (p.Ala67Thr)

Gene: STIM1 (stromal interaction molecule 1; plus strand). Cytogenetic location: 11p15.4.
Variant type: single nucleotide variant.
Coding change: c.199G>A on transcript NM_001382567.1 (MANE Select); coding-DNA position 199, G replaced by A.
Protein change: p.Ala67Thr; replaces alanine 67 with threonine.
Molecular consequence: missense variant. On other transcripts: 5 prime UTR variant (8), non-coding transcript variant (3), intron variant (4).
Genome position (GRCh38, 1-based): chr11:3,967,611, G>A. VCF-style: chr11-3967611-G-A. GRCh37 (hg19) VCF-style: chr11-3988841-G-A.
Other names: c.199G>A, p.Ala67Thr (NM_001277961.3, NM_003156.4, NM_001277962.2 and 3 more transcripts); c.-24G>A (NM_001382578.1, NM_001382579.1, NM_001382566.1 and 5 more transcripts); c.-219-56262G>A (NM_001382580.1, NM_001382581.1); c.136-56262G>A (NM_001382569.1); c.-98-56262G>A (NM_001382571.1); short protein forms A67T.
Identifiers: ClinVar variation 2921713 (VCV002921713.3), dbSNP rs1317286420, ClinGen allele CA379484970.

ClinVar aggregate classification (germline): Uncertain significance (1 of 4 stars; one submission).

Conditions:
Stormorken syndrome (STRMK). Also called: THROMBOCYTOPATHY, ASPLENIA, AND MIOSIS. Identifiers: Orphanet 3204, MedGen C1861451, MONDO:0008497, OMIM 185070.
Combined immunodeficiency due to STIM1 deficiency. Also called: STIM1 DEFICIENCY; IMMUNODEFICIENCY 10. Identifiers: Orphanet 169090, Orphanet 317430, MedGen C2748557, MONDO:0013008, OMIM 612783.
Myopathy with tubular aggregates (TAM). Also called: Tubular Aggregate Myopathy. Identifiers: Orphanet 2593, MedGen C0410207, MONDO:0008051.

Submission:

Labcorp Genetics (formerly Invitae), Labcorp
Classification: Uncertain significance for Myopathy with tubular aggregates; Combined immunodeficiency due to STIM1 deficiency; Stormorken syndrome. Last evaluated: 2024-01-04. Review status: criteria provided, single submitter. Criteria: Invitae Variant Classification Sherloc (09022015). Collection method: clinical testing. Allele origin: germline.
Comment: This sequence change replaces alanine, which is neutral and non-polar, with threonine, which is neutral and polar, at codon 67 of the STIM1 protein (p.Ala67Thr). This variant is not present in population databases (gnomAD no frequency). This variant has not been reported in the literature in individuals affected with STIM1-related conditions. Advanced modeling of protein sequence and biophysical properties (such as structural, functional, and spatial information, amino acid conservation, physicochemical variation, residue mobility, and thermodynamic stability) performed at Invitae indicates that this missense variant is expected to disrupt STIM1 protein function with a positive predictive value of 95%. In summary, the available evidence is currently insufficient to determine the role of this variant in disease. Therefore, it has been classified as a Variant of Uncertain Significance.